The following is an entry in ClinVar:

NM_016356.5(DCDC2):c.543C>A (p.Ser181Arg)

Gene: DCDC2 (doublecortin domain containing 2; minus strand). Cytogenetic location: 6p22.3.
Variant type: single nucleotide variant.
Coding change: c.543C>A on transcript NM_016356.5 (MANE Select); coding-DNA position 543, C replaced by A.
Protein change: p.Ser181Arg; replaces serine 181 with arginine.
Molecular consequence: missense variant.
Genome position (GRCh38, 1-based): chr6:24,301,729, G>T on the plus strand (C>A on the coding strand, the complement: DCDC2 is on the minus strand). VCF-style: chr6-24301729-G-T. GRCh37 (hg19) VCF-style: chr6-24301957-G-T.
Other names: p.Ser181Arg; c.543C>A, p.Ser181Arg (NM_001195610.2); c.543C>A (NM_016356.3); short protein forms S181R.
Identifiers: ClinVar variation 594123 (VCV000594123.20), dbSNP rs141060456, ClinGen allele CA3654733.

ClinVar aggregate classification (germline): Conflicting classifications of pathogenicity. Review status: criteria provided, conflicting classifications (1 of 4 stars). 5 submissions from 5 submitters: Uncertain significance (3); Likely benign (2). Last evaluated 2026-04-28.

Conditions:
Isolated neonatal sclerosing cholangitis (NSC). Also called: Sclerosing cholangitis, neonatal. Identifiers: Orphanet 480556, MedGen C4479344, MONDO:0018816, OMIM 617394.
Autosomal recessive nonsyndromic hearing loss 66 (DFNB66). Also called: Deafness, autosomal recessive 66. Identifiers: Orphanet 90636, MedGen C1857750, MONDO:0012442, OMIM 610212.
Inborn genetic diseases. Identifiers: MedGen C0950123, MeSH D030342.

Allele frequency attached by ClinVar (database versions not stated): 1000 Genomes Project 0.00080; 1000 Genomes Project 30x 0.00094; ESP Exome Variant Server 0.00123; TOPMed 0.00172.
gnomAD v4.1: 419 of 1,614,036 alleles (0.026%); highest among the groups gnomAD compares: African/African-American, 0.49%; 1 homozygote.

Submissions (5):

Ambry Genetics
Classification: Likely benign for Inborn genetic diseases. Last evaluated: 2026-04-28. Review status: criteria provided, single submitter. Criteria: Ambry Variant Classification Scheme 2023. Collection method: clinical testing. Allele origin: germline.

Labcorp Genetics (formerly Invitae), Labcorp
Classification: Likely benign for Autosomal recessive nonsyndromic hearing loss 66; Isolated neonatal sclerosing cholangitis. Last evaluated: 2026-01-21. Review status: criteria provided, single submitter. Criteria: Invitae Variant Classification Sherloc (09022015). Collection method: clinical testing. Allele origin: germline.

Mayo Clinic Laboratories, Mayo Clinic
Classification: Uncertain significance. Last evaluated: 2025-06-05. Review status: criteria provided, single submitter. Criteria: ACMG Guidelines, 2015. Collection method: clinical testing. Allele origin: germline. Observed: 4 variant alleles.
Comment: BS1, PP3

Blueprint Genetics
Classification: Uncertain significance. Last evaluated: 2024-11-25. Review status: criteria provided, single submitter. Criteria: ACMG Guidelines, 2015. Collection method: clinical testing. Allele origin: germline.

Eurofins Ntd Llc (ga)
Classification: Uncertain significance. Last evaluated: 2018-04-19. Review status: criteria provided, single submitter. Criteria: EGL ClinVar v180209 classification definitions. Collection method: clinical testing. Allele origin: germline. Observed: 6 variant alleles, 6 heterozygotes.